The following is an entry in ClinVar:

ClinVar aggregate classification (germline): Uncertain significance. Review status: criteria provided, multiple submitters, no conflicts (2 of 4 stars). 2 submissions from 2 submitters: Uncertain significance (2). Last evaluated 2025-10-29.

Conditions:
Hereditary cancer-predisposing syndrome. Also called: Neoplastic Syndromes, Hereditary; Hereditary Cancer Syndrome; Tumor predisposition; Hereditary neoplastic syndrome. Identifiers: Orphanet 140162, MedGen C0027672, MeSH D009386, MONDO:0015356.
EGFR-related lung cancer (EGFR). Identifiers: MedGen CN130014.

gnomAD v4.1: 1 of 1,614,208 alleles (0.000062%); highest among the groups gnomAD compares: Non-Finnish European, 0.000085%; no homozygotes.

Submissions (2):

Ambry Genetics
Classification: Uncertain significance for Hereditary cancer-predisposing syndrome. Last evaluated: 2025-10-29. Review status: criteria provided, single submitter. Criteria: Ambry Variant Classification Scheme 2023. Collection method: clinical testing. Allele origin: germline.
Comment: The p.H773Y variant (also known as c.2317C>T), located in coding exon 20 of the EGFR gene, results from a C to T substitution at nucleotide position 2317. The histidine at codon 773 is replaced by tyrosine, an amino acid with similar properties. This amino acid position is well conserved in available vertebrate species. In addition, this alteration is predicted to be tolerated by in silico analysis. Based on the available evidence, the clinical significance of this variant remains unclear.

Labcorp Genetics (formerly Invitae), Labcorp
Classification: Uncertain significance for EGFR-related lung cancer. Last evaluated: 2022-07-14. Review status: criteria provided, single submitter. Criteria: Invitae Variant Classification Sherloc (09022015). Collection method: clinical testing. Allele origin: germline.
Comment: This sequence change replaces histidine, which is basic and polar, with tyrosine, which is neutral and polar, at codon 773 of the EGFR protein (p.His773Tyr). This variant is not present in population databases (gnomAD no frequency). This variant has not been reported in the literature in individuals affected with EGFR-related conditions. ClinVar contains an entry for this variant (Variation ID: 1039560). Algorithms developed to predict the effect of missense changes on protein structure and function (SIFT, PolyPhen-2, Align-GVGD) all suggest that this variant is likely to be tolerated. In summary, the available evidence is currently insufficient to determine the role of this variant in disease. Therefore, it has been classified as a Variant of Uncertain Significance.

NM_005228.5(EGFR):c.2317C>T (p.His773Tyr)

Genes: EGFR-AS1 (EGFR antisense RNA 1; minus strand), EGFR (epidermal growth factor receptor; plus strand). Cytogenetic location: 7p11.2.
Variant type: single nucleotide variant.
Coding change: c.2317C>T on transcript NM_005228.5 (MANE Select); coding-DNA position 2317, C replaced by T.
Protein change: p.His773Tyr; replaces histidine 773 with tyrosine.
Molecular consequence: missense variant. On other transcripts: non-coding transcript variant (1).
Genome position (GRCh38, 1-based): chr7:55,181,326, C>T. VCF-style: chr7-55181326-C-T. GRCh37 (hg19) VCF-style: chr7-55249019-C-T.
Other names: c.2317C>T (NM_005228.3); c.2182C>T, p.His728Tyr (NM_001346897.2, NM_001346899.2); c.2317C>T, p.His773Tyr (NM_001346898.2); c.2158C>T, p.His720Tyr (NM_001346900.2); c.1516C>T, p.His506Tyr (NM_001346941.2); short protein forms H506Y, H728Y, H773Y, H720Y.
Identifiers: ClinVar variation 1039560 (VCV001039560.11), dbSNP rs767075090, ClinGen allele CA367578699.
Genomic context (GRCh38, chr7:55,181,326, plus strand): 5'-CACTGACGTGCCTCTCCCTCCCTCCAGGAAGCCTACGTGATGGCCAGCGTGGACAACCCC[C>T]ACGTGTGCCGCCTGCTGGGCATCTGCCTCACCTCCACCGTGCAGCTCATCACGCAGCTCA-3'
Protein context (NP_005219.2, residues 763-783): AYVMASVDNP[His773Tyr]VCRLLGICLT